The following is an entry in ClinVar:

ClinVar aggregate classification (germline): Likely benign (1 of 4 stars; one submission).

gnomAD v4.1: 6 of 1,614,058 alleles (0.00037%); highest among the groups gnomAD compares: Admixed American, 0.0083%; no homozygotes.

Submission:

CeGaT Center for Human Genetics Tuebingen
Classification: Likely benign. Last evaluated: 2025-05-01. Review status: criteria provided, single submitter. Criteria: CeGaT Center For Human Genetics Tuebingen Variant Classification Criteria Version 2. Collection method: clinical testing. Allele origin: germline. Affected: yes. Observed: 1 variant allele.
Comment: DIAPH1: BP4, BP7

NM_005219.5(DIAPH1):c.1584G>A (p.Gln528=)

Gene: DIAPH1 (diaphanous related formin 1; minus strand). Cytogenetic location: 5q31.3.
Variant type: single nucleotide variant.
Coding change: c.1584G>A on transcript NM_005219.5 (MANE Select); coding-DNA position 1584, G replaced by A.
Protein change: p.Gln528=; no amino-acid change (glutamine 528 retained).
Molecular consequence: synonymous variant.
Genome position (GRCh38, 1-based): chr5:141,575,024, C>T on the plus strand (G>A on the coding strand, the complement: DIAPH1 is on the minus strand). VCF-style: chr5-141575024-C-T. GRCh37 (hg19) VCF-style: chr5-140954591-C-T.
Other names: c.1557G>A, p.Gln519= (NM_001079812.3); c.1584G>A, p.Gln528= (NM_001314007.2).
Identifiers: ClinVar variation 3905181 (VCV003905181.10).
Genomic context (GRCh38, chr5:141,575,024, plus strand): 5'-TACCTCTCCTGTGAGCTGGGACACCTCTGCTTCCAGGTCCTGTTTCTCTGTGGCAATTTG[C>T]TGCTTTTCAGAATGCAGTGCATCTTTTTCTCCCTGAAGATCTTGAAGCTTCTGCTCAAAG-3'
Protein context (NP_005210.3, residues 518-538): GEKDALHSEK[Gln528=]QIATEKQDLE